The following is an entry in ClinVar:

ClinVar aggregate classification (germline): Benign (1 of 4 stars; one submission).

Allele frequency attached by ClinVar (database versions not stated): TOPMed 0.84928; 1000 Genomes Project 30x 0.90397; 1000 Genomes Project 0.90675.
gnomAD v4.1: 128,678 of 152,226 alleles (85%); highest among the groups gnomAD compares: East Asian, 97%; 54,869 homozygotes.

Submission:

GeneDx
Classification: Benign. Last evaluated: 2018-06-19. Review status: criteria provided, single submitter. Criteria: GeneDx Variant Classification (06012015). Collection method: clinical testing. Allele origin: germline. Affected: yes.
Comment: This variant is considered likely benign or benign based on one or more of the following criteria: it is a conservative change, it occurs at a poorly conserved position in the protein, it is predicted to be benign by multiple in silico algorithms, and/or has population frequency not consistent with disease.

NM_000235.4(LIPA):c.967-299G>C

Gene: LIPA (lipase A, lysosomal acid type; minus strand). Cytogenetic location: 10q23.31.
Variant type: single nucleotide variant.
Coding change: c.967-299G>C on transcript NM_000235.4 (MANE Select); 299 bases into the intron before coding-DNA position 967, G replaced by C.
Molecular consequence: intron variant.
Genome position (GRCh38, 1-based): chr10:89,215,360, C>G on the plus strand (G>C on the coding strand, the complement: LIPA is on the minus strand). VCF-style: chr10-89215360-C-G. GRCh37 (hg19) VCF-style: chr10-90975117-C-G.
Other names: c.619-299G>C (NM_001288979.2); c.967-299G>C (NM_001127605.3).
Identifiers: ClinVar variation 684275 (VCV000684275.1), dbSNP rs4509676, ClinGen allele CA13164022.